The following is an entry in ClinVar:

ClinVar aggregate classification (germline): Uncertain significance (1 of 4 stars; one submission).

gnomAD v4.1: 1 of 1,607,332 alleles (0.000062%); highest among the groups gnomAD compares: Non-Finnish European, 0.000085%; no homozygotes.

Submission:

GeneDx
Classification: Uncertain significance. Last evaluated: 2025-05-21. Review status: criteria provided, single submitter. Criteria: GeneDx Variant Classification Process June 2021. Collection method: clinical testing. Allele origin: germline. Affected: yes.
Comment: Not observed at significant frequency in large population cohorts (gnomAD); In silico analysis suggests that this variant does not alter splicing; Has not been previously published as pathogenic or benign to our knowledge

NM_015404.4(WHRN):c.360C>G (p.Thr120=)

Gene: WHRN (whirlin; minus strand). Cytogenetic location: 9q32.
Variant type: single nucleotide variant.
Coding change: c.360C>G on transcript NM_015404.4 (MANE Select); coding-DNA position 360, C replaced by G.
Protein change: p.Thr120=; no amino-acid change (threonine 120 retained).
Molecular consequence: synonymous variant.
Genome position (GRCh38, 1-based): chr9:114,504,442, G>C on the plus strand (C>G on the coding strand, the complement: WHRN is on the minus strand). VCF-style: chr9-114504442-G-C. GRCh37 (hg19) VCF-style: chr9-117266722-G-C.
Other names: c.360C>G, p.Thr120= (NM_001173425.2).
Identifiers: ClinVar variation 4530947 (VCV004530947.1).